The following is an entry in ClinVar:

ClinVar aggregate classification (germline): Pathogenic/Likely pathogenic. Review status: criteria provided, multiple submitters, no conflicts (2 of 4 stars). 2 submissions from 2 submitters: Pathogenic (1); Likely pathogenic (1). Last evaluated 2024-12-22.

Conditions:
COL1A2-related disorder. Also called: COL1A2-Related Disorders; COL1A2-related condition.
Ehlers-Danlos syndrome, classic type, 1 (EDSCL1). Also called: Ehlers-Danlos syndrome, type 1; Ehlers-Danlos Syndrome, Classic Type, COL5A1-Related; EDS I; EHLERS-DANLOS SYNDROME, GRAVIS TYPE; EHLERS-DANLOS SYNDROME, SEVERE CLASSIC TYPE. Identifiers: MedGen C0268335, MONDO:0019567, OMIM 130000.
Osteogenesis imperfecta type I (OI1). Also called: Lobstein disease; Osteogenesis imperfecta type 1; Lobstein's Disease; Classic Non-deforming Osteogenesis Imperfecta with Blue Sclerae; OI, TYPE I; OSTEOGENESIS IMPERFECTA TARDA. Identifiers: Orphanet 216796, Orphanet 666, MedGen C0023931, MONDO:0008146, OMIM 166200. Disease mechanism: loss of function.

Submissions (2):

Labcorp Genetics (formerly Invitae), Labcorp
Classification: Pathogenic for Osteogenesis imperfecta type I; Ehlers-Danlos syndrome, classic type, 1. Last evaluated: 2024-12-22. Review status: criteria provided, single submitter. Criteria: Invitae Variant Classification Sherloc (09022015). Collection method: clinical testing. Allele origin: germline.
Comment: This sequence change replaces glycine, which is neutral and non-polar, with serine, which is neutral and polar, at codon 985 of the COL1A2 protein (p.Gly985Ser). This variant is not present in population databases (gnomAD no frequency). This missense change has been observed in individuals with clinical features of autosomal dominant osteogenesis imperfecta (internal data). ClinVar contains an entry for this variant (Variation ID: 1474111). Invitae Evidence Modeling of protein sequence and biophysical properties (such as structural, functional, and spatial information, amino acid conservation, physicochemical variation, residue mobility, and thermodynamic stability) indicates that this missense variant is expected to disrupt COL1A2 protein function with a positive predictive value of 95%. This variant disrupts the triple helix domain of COL1A2. Glycine residues within the Gly-Xaa-Yaa repeats of the triple helix domain are required for the structure and stability of fibrillar collagens (PMID: 7695699, 8218237, 19344236). In COL1A2, variants affecting these glycine residues are significantly enriched in individuals with disease (PMID: 9016532, 17078022) compared to the general population (ExAC). For these reasons, this variant has been classified as Pathogenic.

Blueprint Genetics
Classification: Likely pathogenic for COL1A2-related disorders. Last evaluated: 2022-04-25. Review status: criteria provided, single submitter. Criteria: ACMG Guidelines, 2015. Collection method: clinical testing. Allele origin: germline. Affected: yes. Observed: 1 variant allele.

Literature cited by the submitters: PubMed 7695699 (cited by Labcorp Genetics (formerly Invitae), Labcorp); PubMed 8218237 (cited by Labcorp Genetics (formerly Invitae), Labcorp); PubMed 19344236 (cited by Labcorp Genetics (formerly Invitae), Labcorp); PubMed 9016532 (cited by Labcorp Genetics (formerly Invitae), Labcorp); PubMed 17078022 (cited by Labcorp Genetics (formerly Invitae), Labcorp).

NM_000089.4(COL1A2):c.2953G>A (p.Gly985Ser)

Gene: COL1A2 (collagen type I alpha 2 chain; plus strand). Cytogenetic location: 7q21.3.
Variant type: single nucleotide variant.
Coding change: c.2953G>A on transcript NM_000089.4 (MANE Select); coding-DNA position 2953, G replaced by A.
Protein change: p.Gly985Ser; replaces glycine 985 with serine.
Molecular consequence: missense variant.
Genome position (GRCh38, 1-based): chr7:94,426,007, G>A. VCF-style: chr7-94426007-G-A. GRCh37 (hg19) VCF-style: chr7-94055319-G-A.
Other names: short protein forms G985S.
Identifiers: ClinVar variation 1474111 (VCV001474111.7), dbSNP rs2115953343, ClinGen allele CA368224965.